The following is an entry in ClinVar:

ClinVar aggregate classification (germline): Uncertain significance (1 of 4 stars; one submission).

Conditions:
Cardiovascular phenotype. Identifiers: MedGen CN230736.

Allele frequency attached by ClinVar (database versions not stated): gnomAD exomes 0.00001.
gnomAD v4.1: 13 of 1,614,136 alleles (0.00081%); highest among the groups gnomAD compares: Non-Finnish European, 0.0011%; no homozygotes.

Submission:

Ambry Genetics
Classification: Uncertain significance for Cardiovascular phenotype. Last evaluated: 2024-12-04. Review status: criteria provided, single submitter. Criteria: Ambry Variant Classification Scheme 2023. Collection method: clinical testing. Allele origin: germline.
Comment: The p.I1610V variant (also known as c.4828A>G), located in coding exon 27 of the SCN10A gene, results from an A to G substitution at nucleotide position 4828. The isoleucine at codon 1610 is replaced by valine, an amino acid with highly similar properties. This amino acid position is highly conserved in available vertebrate species. In addition, the in silico prediction for this alteration is inconclusive. The evidence for this gene-disease relationship is limited; therefore, the clinical significance of this alteration is unclear.

NM_006514.4(SCN10A):c.4828A>G (p.Ile1610Val)

Gene: SCN10A (sodium voltage-gated channel alpha subunit 10; minus strand). Cytogenetic location: 3p22.2.
Variant type: single nucleotide variant.
Coding change: c.4828A>G on transcript NM_006514.4 (MANE Select); coding-DNA position 4828, A replaced by G.
Protein change: p.Ile1610Val; replaces isoleucine 1610 with valine.
Molecular consequence: missense variant.
Genome position (GRCh38, 1-based): chr3:38,698,392, T>C on the plus strand (A>G on the coding strand, the complement: SCN10A is on the minus strand). VCF-style: chr3-38698392-T-C. GRCh37 (hg19) VCF-style: chr3-38739883-T-C.
Other names: c.4825A>G, p.Ile1609Val (NM_001293306.2); c.4534A>G, p.Ile1512Val (NM_001293307.2); short protein forms I1609V, I1512V, I1610V.
Identifiers: ClinVar variation 2448864 (VCV002448864.4), dbSNP rs900001171, ClinGen allele CA72947453.